The following is an entry in ClinVar:

ClinVar aggregate classification (germline): Uncertain significance. Review status: criteria provided, multiple submitters, no conflicts (2 of 4 stars). 2 submissions from 2 submitters: Uncertain significance (2). Last evaluated 2024-07-08.

Conditions:
Hereditary cancer-predisposing syndrome. Also called: Neoplastic Syndromes, Hereditary; Tumor predisposition; Hereditary Cancer Syndrome; Hereditary neoplastic syndrome. Identifiers: Orphanet 140162, MedGen C0027672, MeSH D009386, MONDO:0015356.

Allele frequency attached by ClinVar (database versions not stated): gnomAD exomes below 0.00001.

Submissions (2):

Labcorp Genetics (formerly Invitae), Labcorp
Classification: Uncertain significance. Last evaluated: 2024-07-08. Review status: criteria provided, single submitter. Criteria: Invitae Variant Classification Sherloc (09022015). Collection method: clinical testing. Allele origin: germline.
Comment: This sequence change replaces histidine, which is basic and polar, with tyrosine, which is neutral and polar, at codon 543 of the POLE protein (p.His543Tyr). This variant is not present in population databases (gnomAD no frequency). This variant has not been reported in the literature in individuals affected with POLE-related conditions. ClinVar contains an entry for this variant (Variation ID: 473473). Advanced modeling of protein sequence and biophysical properties (such as structural, functional, and spatial information, amino acid conservation, physicochemical variation, residue mobility, and thermodynamic stability) performed at Invitae indicates that this missense variant is expected to disrupt POLE protein function with a positive predictive value of 80%. In summary, the available evidence is currently insufficient to determine the role of this variant in disease. Therefore, it has been classified as a Variant of Uncertain Significance.

Ambry Genetics
Classification: Uncertain significance for Hereditary cancer-predisposing syndrome. Last evaluated: 2023-11-29. Review status: criteria provided, single submitter. Criteria: Ambry Variant Classification Scheme 2023. Collection method: clinical testing. Allele origin: germline.
Comment: The p.H543Y variant (also known as c.1627C>T), located in coding exon 15 of the POLE gene, results from a C to T substitution at nucleotide position 1627. The histidine at codon 543 is replaced by tyrosine, an amino acid with similar properties. This amino acid position is conserved. In addition, the in silico prediction for this alteration is inconclusive. Since supporting evidence is limited at this time, the clinical significance of this alteration remains unclear.

NM_006231.4(POLE):c.1627C>T (p.His543Tyr)

Gene: POLE (DNA polymerase epsilon, catalytic subunit; minus strand). Cytogenetic location: 12q24.33.
Variant type: single nucleotide variant.
Coding change: c.1627C>T on transcript NM_006231.4 (MANE Select); coding-DNA position 1627, C replaced by T.
Protein change: p.His543Tyr; replaces histidine 543 with tyrosine.
Molecular consequence: missense variant.
Genome position (GRCh38, 1-based): chr12:132,672,686, G>A on the plus strand (C>T on the coding strand, the complement: POLE is on the minus strand). VCF-style: chr12-132672686-G-A. GRCh37 (hg19) VCF-style: chr12-133249272-G-A.
Other names: c.1627C>T (NM_006231.2); short protein forms H543Y.
Identifiers: ClinVar variation 473473 (VCV000473473.9), dbSNP rs1555228285, ClinGen allele CA387356704.